The following is an entry in ClinVar:

NM_001382567.1(STIM1):c.1775A>G (p.Glu592Gly)

Gene: STIM1 (stromal interaction molecule 1; plus strand). Cytogenetic location: 11p15.4.
Variant type: single nucleotide variant.
Coding change: c.1775A>G on transcript NM_001382567.1 (MANE Select); coding-DNA position 1775, A replaced by G.
Protein change: p.Glu592Gly; replaces glutamic acid 592 with glycine.
Molecular consequence: missense variant. On other transcripts: 3 prime UTR variant (4), non-coding transcript variant (3).
Genome position (GRCh38, 1-based): chr11:4,091,422, A>G. VCF-style: chr11-4091422-A-G. GRCh37 (hg19) VCF-style: chr11-4112652-A-G.
Other names: c.2000A>G, p.Glu667Gly (NM_001277961.3); c.*96A>G (NM_001277962.2, NM_001382578.1, NM_001382579.1 and 1 more transcripts); c.1778A>G, p.Glu593Gly (NM_001382566.1); c.1703A>G, p.Glu568Gly (NM_001382568.1); c.1547A>G, p.Glu516Gly (NM_001382569.1); c.1454A>G, p.Glu485Gly (NM_001382570.1); c.1202A>G, p.Glu401Gly (NM_001382571.1); c.1460A>G, p.Glu487Gly (NM_001382575.1, NM_001382576.1, NM_001382577.1); and 2 more; short protein forms E398G, E401G, E485G, E487G, E516G, E561G, E568G, E592G.
Identifiers: ClinVar variation 1058257 (VCV001058257.9), dbSNP rs2133264174, ClinGen allele CA379196896.
Genomic context (GRCh38, chr11:4,091,422, plus strand): 5'-GCCGTGCTGCAGACGAGGCTCTCAATGCCATGACTTCCAATGGCAGCCACCGGCTGATCG[A>G]GGGGGTCCACCCAGGGTCTCTGGTGGAGAAACTGCCTGACAGCCCTGCCCTGGCCAAGAA-3'
Protein context (NP_001369496.1, residues 582-602): MTSNGSHRLI[Glu592Gly]GVHPGSLVEK

ClinVar aggregate classification (germline): Uncertain significance (1 of 4 stars; one submission).

Conditions:
Stormorken syndrome (STRMK). Also called: THROMBOCYTOPATHY, ASPLENIA, AND MIOSIS. Identifiers: Orphanet 3204, MedGen C1861451, MONDO:0008497, OMIM 185070.
Combined immunodeficiency due to STIM1 deficiency. Also called: STIM1 DEFICIENCY; IMMUNODEFICIENCY 10. Identifiers: Orphanet 169090, Orphanet 317430, MedGen C2748557, MONDO:0013008, OMIM 612783.
Myopathy with tubular aggregates (TAM). Also called: Tubular Aggregate Myopathy. Identifiers: Orphanet 2593, MedGen C0410207, MONDO:0008051.

Allele frequency attached by ClinVar (database versions not stated): gnomAD exomes below 0.00001.
gnomAD v4.1: 4 of 1,614,128 alleles (0.00025%); highest among the groups gnomAD compares: Non-Finnish European, 0.00025%; no homozygotes.

Submission:

Labcorp Genetics (formerly Invitae), Labcorp
Classification: Uncertain significance for Myopathy with tubular aggregates; Combined immunodeficiency due to STIM1 deficiency; Stormorken syndrome. Last evaluated: 2022-08-31. Review status: criteria provided, single submitter. Criteria: Invitae Variant Classification Sherloc (09022015). Collection method: clinical testing. Allele origin: germline.
Comment: In summary, the available evidence is currently insufficient to determine the role of this variant in disease. Therefore, it has been classified as a Variant of Uncertain Significance. This sequence change replaces glutamic acid, which is acidic and polar, with glycine, which is neutral and non-polar, at codon 561 of the STIM1 protein (p.Glu561Gly). This variant is not present in population databases (gnomAD no frequency). This variant has not been reported in the literature in individuals affected with STIM1-related conditions. ClinVar contains an entry for this variant (Variation ID: 1058257). Algorithms developed to predict the effect of missense changes on protein structure and function (SIFT, PolyPhen-2, Align-GVGD) all suggest that this variant is likely to be tolerated.